The following is an entry in ClinVar:

ClinVar aggregate classification (germline): Uncertain significance (1 of 4 stars; one submission).

Allele frequency attached by ClinVar (database versions not stated): ExAC 0.00001; gnomAD exomes 0.00001; gnomAD 0.00003; TOPMed 0.00003.
gnomAD v4.1: 18 of 1,613,182 alleles (0.0011%); highest among the groups gnomAD compares: Middle Eastern, 0.016%; no homozygotes.

Submission:

Labcorp Genetics (formerly Invitae), Labcorp
Classification: Uncertain significance. Last evaluated: 2024-09-23. Review status: criteria provided, single submitter. Criteria: Invitae Variant Classification Sherloc (09022015). Collection method: clinical testing. Allele origin: germline.
Comment: This sequence change replaces alanine, which is neutral and non-polar, with threonine, which is neutral and polar, at codon 172 of the PACS2 protein (p.Ala172Thr). This variant is present in population databases (rs782218796, gnomAD 0.008%). This variant has not been reported in the literature in individuals affected with PACS2-related conditions. ClinVar contains an entry for this variant (Variation ID: 2421640). An algorithm developed to predict the effect of missense changes on protein structure and function (PolyPhen-2) suggests that this variant is likely to be tolerated. In summary, the available evidence is currently insufficient to determine the role of this variant in disease. Therefore, it has been classified as a Variant of Uncertain Significance.

NM_001100913.3(PACS2):c.514G>A (p.Ala172Thr)

Gene: PACS2 (phosphofurin acidic cluster sorting protein 2; plus strand). Cytogenetic location: 14q32.33.
Variant type: single nucleotide variant.
Coding change: c.514G>A on transcript NM_001100913.3 (MANE Select); coding-DNA position 514, G replaced by A.
Protein change: p.Ala172Thr; replaces alanine 172 with threonine.
Molecular consequence: missense variant.
Genome position (GRCh38, 1-based): chr14:105,367,303, G>A. VCF-style: chr14-105367303-G-A. GRCh37 (hg19) VCF-style: chr14-105833640-G-A.
Other names: c.313G>A, p.Ala105Thr (NM_001243127.3); c.514G>A, p.Ala172Thr (NM_015197.4); short protein forms A105T, A172T.
Identifiers: ClinVar variation 2421640 (VCV002421640.6), dbSNP rs782218796, ClinGen allele CA7388402.